The following is an entry in ClinVar:

NM_000834.5(GRIN2B):c.3660C>G (p.Ser1220=)

Gene: GRIN2B (glutamate ionotropic receptor NMDA type subunit 2B; minus strand). Cytogenetic location: 12p13.1.
Variant type: single nucleotide variant.
Coding change: c.3660C>G on transcript NM_000834.5 (MANE Select); coding-DNA position 3660, C replaced by G.
Protein change: p.Ser1220=; no amino-acid change (serine 1220 retained).
Molecular consequence: synonymous variant.
Genome position (GRCh38, 1-based): chr12:13,563,578, G>C on the plus strand (C>G on the coding strand, the complement: GRIN2B is on the minus strand). VCF-style: chr12-13563578-G-C. GRCh37 (hg19) VCF-style: chr12-13716512-G-C.
Identifiers: ClinVar variation 246080 (VCV000246080.12), dbSNP rs201983807, ClinGen allele CA6460864.
Genomic context (GRCh38, chr12:13,563,578, plus strand): 5'-GATGCACGCCTGCCTGCCCGAGTTCTGACCCGTCACCGTCGTGGAGTAGTTGTGCAGCTT[G>C]GAGGGACAGCTGCGGCAGAAGTTGCCCCCGGACCGGTCCTCCCACTCCACGTTGGTCAGG-3'
Protein context (NP_000825.2, residues 1210-1230): SGGNFCRSCP[Ser1220=]KLHNYSTTVT

ClinVar aggregate classification (germline): Benign/Likely benign. Review status: criteria provided, multiple submitters, no conflicts (2 of 4 stars). 2 submissions from 2 submitters: Benign (1); Likely benign (1). Last evaluated 2025-10-07.

Conditions:
Intellectual developmental disorder, autosomal dominant 6, with or without seizures. Also called: Intellectual disability, autosomal dominant 6; GRIN2B-related developmental delay, intellectual disability and autism spectrum disorder. Identifiers: Orphanet 589547, MedGen C3151411, MONDO:0013509, OMIM 613970.
Developmental and epileptic encephalopathy, 27 (DEE27). Also called: Epileptic encephalopathy, early infantile, 27; GRIN2B-Related Neurodevelopmental Disorder. Identifiers: Orphanet 3451, MedGen C4015316, MONDO:0014505, OMIM 616139.

Allele frequency attached by ClinVar (database versions not stated): gnomAD 0.00001; TOPMed 0.00002; gnomAD exomes 0.00004 and 0.00008; ExAC 0.00008; 1000 Genomes Project 30x 0.00016; 1000 Genomes Project 0.00020.
gnomAD v4.1: 62 of 1,614,120 alleles (0.0038%); highest among the groups gnomAD compares: East Asian, 0.14%; no homozygotes.

Submissions (2):

Labcorp Genetics (formerly Invitae), Labcorp
Classification: Benign for Developmental and epileptic encephalopathy, 27; Intellectual developmental disorder, autosomal dominant 6, with or without seizures. Last evaluated: 2025-10-07. Review status: criteria provided, single submitter. Criteria: Invitae Variant Classification Sherloc (09022015). Collection method: clinical testing. Allele origin: germline.

GeneDx
Classification: Likely benign. Last evaluated: 2015-11-10. Review status: criteria provided, single submitter. Criteria: GeneDx Variant Classification (06012015). Collection method: clinical testing. Allele origin: germline. Affected: yes.
Comment: This variant is considered likely benign or benign based on one or more of the following criteria: it is a conservative change, it occurs at a poorly conserved position in the protein, it is predicted to be benign by multiple in silico algorithms, and/or has population frequency not consistent with disease.